The following is an entry in ClinVar:

NM_001005273.3(CHD3):c.1534A>C (p.Ile512Leu)

Gene: CHD3 (chromodomain helicase DNA binding protein 3; plus strand). Cytogenetic location: 17p13.1.
Variant type: single nucleotide variant.
Coding change: c.1534A>C on transcript NM_001005273.3 (MANE Select); coding-DNA position 1534, A replaced by C.
Protein change: p.Ile512Leu; replaces isoleucine 512 with leucine.
Molecular consequence: missense variant.
Genome position (GRCh38, 1-based): chr17:7,895,369, A>C. VCF-style: chr17-7895369-A-C. GRCh37 (hg19) VCF-style: chr17-7798687-A-C.
Other names: c.1711A>C, p.Ile571Leu (NM_001005271.3); c.1534A>C, p.Ile512Leu (NM_005852.4); short protein forms I512L, I571L.
Identifiers: ClinVar variation 3373139 (VCV003373139.1).

ClinVar aggregate classification (germline): Uncertain significance (1 of 4 stars; one submission).

Submission:

GeneDx
Classification: Uncertain significance. Last evaluated: 2024-04-26. Review status: criteria provided, single submitter. Criteria: GeneDx Variant Classification Process June 2021. Collection method: clinical testing. Allele origin: germline. Affected: yes.
Comment: Not observed at significant frequency in large population cohorts (gnomAD); In silico analysis indicates that this missense variant does not alter protein structure/function; Has not been previously published as pathogenic or benign to our knowledge